The following is an entry in ClinVar:

ClinVar aggregate classification (germline): Uncertain significance (1 of 4 stars; one submission).

Conditions:
Hereditary cancer-predisposing syndrome. Also called: Neoplastic Syndromes, Hereditary; Tumor predisposition; Hereditary neoplastic syndrome; Hereditary Cancer Syndrome. Identifiers: Orphanet 140162, MedGen C0027672, MeSH D009386, MONDO:0015356.

gnomAD v4.1: 1 of 1,614,054 alleles (0.000062%); highest among the groups gnomAD compares: Middle Eastern, 0.016%; no homozygotes.

Submission:

Ambry Genetics
Classification: Uncertain significance for Hereditary cancer-predisposing syndrome. Last evaluated: 2026-07-14. Review status: criteria provided, single submitter. Criteria: Ambry Variant Classification Scheme 2023. Collection method: clinical testing. Allele origin: germline.
Comment: The p.R1547S variant (also known as c.4639C>A), located in coding exon 32 of the SMARCA4 gene, results from a C to A substitution at nucleotide position 4639. The arginine at codon 1547 is replaced by serine, an amino acid with dissimilar properties. This amino acid position is conserved. In addition, this alteration is predicted to be tolerated by in silico analysis. Based on the available evidence, the clinical significance of this variant remains unclear.

NM_003072.5(SMARCA4):c.4543C>A (p.Arg1515Ser)

Gene: SMARCA4 (SWI/SNF related BAF chromatin remodeling complex subunit ATPase 4; plus strand). Cytogenetic location: 19p13.2.
Variant type: single nucleotide variant.
Coding change: c.4543C>A on transcript NM_003072.5 (MANE Select); coding-DNA position 4543, C replaced by A.
Protein change: p.Arg1515Ser; replaces arginine 1515 with serine.
Molecular consequence: missense variant. On other transcripts: non-coding transcript variant (1).
Genome position (GRCh38, 1-based): chr19:11,058,797, C>A. VCF-style: chr19-11058797-C-A. GRCh37 (hg19) VCF-style: chr19-11169473-C-A.
Other names: c.4543C>A, p.Arg1515Ser (NM_001128844.3); c.4453C>A, p.Arg1485Ser (NM_001128845.2); c.4450C>A, p.Arg1484Ser (NM_001128846.2); c.4444C>A, p.Arg1482Ser (NM_001128847.4, NM_001374457.1); c.4441C>A, p.Arg1481Ser (NM_001128848.2); c.4639C>A, p.Arg1547Ser (NM_001128849.3, NM_001387283.1); c.4540C>A, p.Arg1514Ser (NM_001411150.1); short protein forms R1481S, R1485S, R1514S, R1484S, R1515S, R1482S, R1547S.
Identifiers: ClinVar variation 5029862 (VCV005029862.1).